The following is an entry in ClinVar:

ClinVar aggregate classification (germline): Uncertain significance (1 of 4 stars; one submission).

Allele frequency attached by ClinVar (database versions not stated): gnomAD 0.00001; TOPMed 0.00001; ExAC 0.00002; ESP Exome Variant Server 0.00008.
gnomAD v4.1: 9 of 1,605,732 alleles (0.00056%); highest among the groups gnomAD compares: Non-Finnish European, 0.00076%; no homozygotes.

Submission:

Labcorp Genetics (formerly Invitae), Labcorp
Classification: Uncertain significance. Last evaluated: 2024-06-11. Review status: criteria provided, single submitter. Criteria: Invitae Variant Classification Sherloc (09022015). Collection method: clinical testing. Allele origin: germline.
Comment: This sequence change replaces glutamine, which is neutral and polar, with histidine, which is basic and polar, at codon 180 of the ANGPT1 protein (p.Gln180His). This variant is present in population databases (rs370541556, gnomAD 0.005%). This variant has not been reported in the literature in individuals affected with ANGPT1-related conditions. An algorithm developed to predict the effect of missense changes on protein structure and function (PolyPhen-2) suggests that this variant is likely to be disruptive. In summary, the available evidence is currently insufficient to determine the role of this variant in disease. Therefore, it has been classified as a Variant of Uncertain Significance.

NM_001146.5(ANGPT1):c.540G>T (p.Gln180His)

Gene: ANGPT1 (angiopoietin 1; minus strand). Cytogenetic location: 8q23.1.
Variant type: single nucleotide variant.
Coding change: c.540G>T on transcript NM_001146.5 (MANE Select); coding-DNA position 540, G replaced by T.
Protein change: p.Gln180His; replaces glutamine 180 with histidine.
Molecular consequence: missense variant. On other transcripts: 5 prime UTR variant (1).
Genome position (GRCh38, 1-based): chr8:107,336,185, C>A on the plus strand (G>T on the coding strand, the complement: ANGPT1 is on the minus strand). VCF-style: chr8-107336185-C-A. GRCh37 (hg19) VCF-style: chr8-108348413-C-A.
Other names: c.540G>T, p.Gln180His (NM_001199859.3); c.-61G>T (NM_001314051.2); short protein forms Q180H.
Identifiers: ClinVar variation 2716773 (VCV002716773.3), dbSNP rs370541556, ClinGen allele CA4841336.
Genomic context (GRCh38, chr8:107,336,185, plus strand): 5'-ATTTTTGGAATAAAGCAATCCTCACCTGTTTTTTTCATGGATCTTCAAGATTTCATTTGT[C>A]TGTTGAAGAAGTTGCTTCTCTAGCTTGTAGGTGGATAATGAATTCTCCAGCAGCTGTATC-3'
Protein context (NP_001137.2, residues 170-190): TYKLEKQLLQ[Gln180His]TNEILKIHEK